The following is an entry in ClinVar:

NM_000088.4(COL1A1):c.91C>T (p.Gln31Ter)

Gene: COL1A1 (collagen type I alpha 1 chain; minus strand). Cytogenetic location: 17q21.33.
Variant type: single nucleotide variant.
Coding change: c.91C>T on transcript NM_000088.4 (MANE Select); coding-DNA position 91, C replaced by T.
Protein change: p.Gln31Ter; replaces glutamine 31 with a stop codon.
Molecular consequence: nonsense.
Genome position (GRCh38, 1-based): chr17:50,201,423, G>A on the plus strand (C>T on the coding strand, the complement: COL1A1 is on the minus strand). VCF-style: chr17-50201423-G-A. GRCh37 (hg19) VCF-style: chr17-48278784-G-A.
Other names: c.91C>T (NM_000088.3); short protein forms Q31*.
Identifiers: ClinVar variation 193044 (VCV000193044.13), dbSNP rs794726873, ClinGen allele CA274894.
Genomic context (GRCh38, chr17:50,201,423, plus strand): 5'-AAGGCGCGATATAGAGTATCCTTGCACTCCCAAAAGTTTGGGACTTACTGTCTTCGTCTT[G>A]GCCCTCGACTTGGCCTTCCTCTTGGCCGTGCGTCAGGAGGGCGGTGGCCGCTAAGAGGAG-3'

ClinVar aggregate classification (germline): Pathogenic. Review status: criteria provided, multiple submitters, no conflicts (2 of 4 stars). 3 submissions from 3 submitters: Pathogenic (3). Last evaluated 2025-10-13.

Conditions:
Osteogenesis imperfecta type I (OI1). Also called: Lobstein's Disease; OI, TYPE I; OSTEOGENESIS IMPERFECTA TARDA; OSTEOGENESIS IMPERFECTA WITH BLUE SCLERAE; Osteogenesis imperfecta type 1; Lobstein disease. Identifiers: Orphanet 216796, Orphanet 666, MedGen C0023931, MONDO:0008146, OMIM 166200. Disease mechanism: loss of function.

Submissions (3):

GeneDx
Classification: Pathogenic. Last evaluated: 2025-10-13. Review status: criteria provided, single submitter. Criteria: GeneDx Variant Classification Process June 2021. Collection method: clinical testing. Allele origin: germline.
Comment: Nonsense variant predicted to result in protein truncation or nonsense mediated decay in a gene for which loss of function is a known mechanism of disease; Not observed at significant frequency in large population cohorts (gnomAD); This variant is associated with the following publications: (PMID: 35909573)

Labcorp Genetics (formerly Invitae), Labcorp
Classification: Pathogenic for Osteogenesis imperfecta type I. Last evaluated: 2024-04-01. Review status: criteria provided, single submitter. Criteria: Invitae Variant Classification Sherloc (09022015). Collection method: clinical testing. Allele origin: germline.
Comment: This sequence change creates a premature translational stop signal (p.Gln31*) in the COL1A1 gene. It is expected to result in an absent or disrupted protein product. Loss-of-function variants in COL1A1 are known to be pathogenic (PMID: 7942841, 9295084, 9443882). This variant is not present in population databases (gnomAD no frequency). This variant has not been reported in the literature in individuals affected with COL1A1-related conditions. ClinVar contains an entry for this variant (Variation ID: 193044). For these reasons, this variant has been classified as Pathogenic.

Eurofins Ntd Llc (ga)
Classification: Pathogenic. Last evaluated: 2015-04-21. Review status: criteria provided, single submitter. Criteria: EGL Classification Definitions 2015. Collection method: clinical testing. Allele origin: germline. Observed: 1 variant allele, 1 heterozygote.

Literature cited by the submitters: PubMed 7942841 (cited by Labcorp Genetics (formerly Invitae), Labcorp); PubMed 9295084 (cited by Labcorp Genetics (formerly Invitae), Labcorp); PubMed 9443882 (cited by Labcorp Genetics (formerly Invitae), Labcorp).